The following is an entry in ClinVar:

NM_001101.5(ACTB):c.479C>T (p.Thr160Ile)

Gene: ACTB (actin beta; minus strand). Cytogenetic location: 7p22.1.
Variant type: single nucleotide variant.
Coding change: c.479C>T on transcript NM_001101.5 (MANE Select); coding-DNA position 479, C replaced by T.
Protein change: p.Thr160Ile; replaces threonine 160 with isoleucine.
Molecular consequence: missense variant.
Genome position (GRCh38, 1-based): chr7:5,528,604, G>A on the plus strand (C>T on the coding strand, the complement: ACTB is on the minus strand). VCF-style: chr7-5528604-G-A. GRCh37 (hg19) VCF-style: chr7-5568235-G-A.
Other names: c.479C>T (LRG_132t1); short protein forms T160I.
Identifiers: ClinVar variation 372917 (VCV000372917.2), dbSNP rs1057518073, ClinGen allele CA16042581.

ClinVar aggregate classification (germline): Likely pathogenic. Review status: criteria provided, multiple submitters, no conflicts (2 of 4 stars). 2 submissions from 2 submitters: Likely pathogenic (2). Last evaluated 2023-07-05.

Conditions:
Baraitser-Winter syndrome 1 (BRWS1). Also called: PACHYGYRIA, MENTAL RETARDATION, EPILEPSY, AND CHARACTERISTIC FACIES; MENTAL RETARDATION WITH EPILEPSY AND CHARACTERISTIC FACIES; Cerebrofrontofacial syndrome; BARAITSER-WINTER SYNDROME 1, ATYPICAL. Identifiers: Orphanet 2649, Orphanet 2995, MedGen C1855722, MONDO:0009470, OMIM 243310.

Submissions (2):

3billion
Classification: Likely pathogenic for Baraitser-Winter syndrome 1. Last evaluated: 2023-07-05. Review status: criteria provided, single submitter. Criteria: ACMG Guidelines, 2015. Collection method: clinical testing. Allele origin: germline. Affected: yes.
Comment: The variant is not observed in the gnomAD v2.1.1 dataset. Predicted Consequence/Location: Missense changes are a common disease-causing mechanism. In silico tool predictions suggest damaging effect of the variant on gene or gene product (REVEL: 0.83; 3Cnet: 0.97). Same nucleotide change resulting in same amino acid change has been previously reported to be associated with ACTB related disorder (ClinVar ID: VCV000372917). A different missense change at the same codon (p.Thr160Ala) has been reported to be associated with ACTB related disorder (ClinVar ID: VCV001251980 /PMID: 35401677). However the evidence of pathogenicity is insufficient at this time. Therefore, this variant is classified as Likely pathogenic according to the recommendation of ACMG/AMP guideline.

GeneDx
Classification: Likely pathogenic. Last evaluated: 2016-03-01. Review status: criteria provided, single submitter. Criteria: GeneDx Variant Classification (06012015). Collection method: clinical testing. Allele origin: germline. Affected: yes.
Comment: The T160I variant in the ACTB gene has not been reported previously as a pathogenic variant, nor as a benign variant, to our knowledge. The T160I variant was not observed in approximately 6,500 individuals of European and African American ancestry in the NHLBI Exome Sequencing Project, indicating it is not a common benign variant in these populations. The T160I variant is a non-conservative amino acid substitution, which is likely to impact secondary protein structure as these residues differ in polarity, charge, size and/or other properties. This substitution occurs at a position that is conserved across species. Additionally, in silico analysis predicts this variant is probably damaging to the protein structure/function. The T160I variant is a strong candidate for a pathogenic variant

Literature cited by the submitters: PubMed 35401677 (cited by 3billion).